The following is an entry in ClinVar:

ClinVar aggregate classification (germline): Uncertain significance (1 of 4 stars; one submission).

Submission:

Labcorp Genetics (formerly Invitae), Labcorp
Classification: Uncertain significance. Last evaluated: 2023-10-03. Review status: criteria provided, single submitter. Criteria: Invitae Variant Classification Sherloc (09022015). Collection method: clinical testing. Allele origin: germline.
Comment: This sequence change falls in intron 8 of the LRP5 gene. It does not directly change the encoded amino acid sequence of the LRP5 protein. It affects a nucleotide within the consensus splice site. This variant is not present in population databases (gnomAD no frequency). This variant has not been reported in the literature in individuals affected with LRP5-related conditions. ClinVar contains an entry for this variant (Variation ID: 1522386). Variants that disrupt the consensus splice site are a relatively common cause of aberrant splicing (PMID: 17576681, 9536098). Algorithms developed to predict the effect of sequence changes on RNA splicing suggest that this variant is not likely to affect RNA splicing. In summary, the available evidence is currently insufficient to determine the role of this variant in disease. Therefore, it has been classified as a Variant of Uncertain Significance.

Literature cited by the submitters: PubMed 17576681; PubMed 9536098.

NM_002335.4(LRP5):c.1801+3G>A

Gene: LRP5 (LDL receptor related protein 5; plus strand). Cytogenetic location: 11q13.2.
Variant type: single nucleotide variant.
Coding change: c.1801+3G>A on transcript NM_002335.4 (MANE Select); 3 bases into the intron after coding-DNA position 1801, G replaced by A.
Molecular consequence: intron variant.
Genome position (GRCh38, 1-based): chr11:68,403,702, G>A. VCF-style: chr11-68403702-G-A. GRCh37 (hg19) VCF-style: chr11-68171170-G-A.
Other names: c.-137+3G>A (NM_001291902.2).
Identifiers: ClinVar variation 1522386 (VCV001522386.6), dbSNP rs2153163125, ClinGen allele CA2573147528.
Genomic context (GRCh38, chr11:68,403,702, plus strand): 5'-ATTGACCAGCTGCCCGACCTGATGGGGCTCAAAGCTGTGAATGTGGCCAAGGTCGTCGGT[G>A]AGTCCGGGGGGTCCCAAGCCATGGCTCAGCCATGCAGACTTGCATGAGGAGGAAGTGACG-3'